The following is an entry in ClinVar:

NM_002775.5(HTRA1):c.27C>G (p.Leu9=)

Gene: HTRA1 (HtrA serine peptidase 1; plus strand). Cytogenetic location: 10q26.13.
Variant type: single nucleotide variant.
Coding change: c.27C>G on transcript NM_002775.5 (MANE Select); coding-DNA position 27, C replaced by G.
Protein change: p.Leu9=; no amino-acid change (leucine 9 retained).
Molecular consequence: synonymous variant.
Genome position (GRCh38, 1-based): chr10:122,461,679, C>G. VCF-style: chr10-122461679-C-G. GRCh37 (hg19) VCF-style: chr10-124221195-C-G.
Identifiers: ClinVar variation 3046807 (VCV003046807.2), dbSNP rs1312886444, ClinGen allele CA471745306.
Genomic context (GRCh38, chr10:122,461,679, plus strand): 5'-GTCCGCCGCCACCGCCGCCGCCGCCAGAGTCGCCATGCAGATCCCGCGCGCCGCTCTTCT[C>G]CCGCTGCTGCTGCTGCTGCTGGCGGCGCCCGCCTCGGCGCAGCTGTCCCGGGCCGGCCGC-3'
Protein context (NP_002766.1, residues 1-19): MQIPRAAL[Leu9=]PLLLLLLAAP

ClinVar aggregate classification (germline): Likely benign (0 of 4 stars; one submission).

Conditions:
HTRA1-related disorder. Also called: HTRA1-related condition.

Allele frequency attached by ClinVar (database versions not stated): gnomAD exomes below 0.00001; gnomAD 0.00002.
gnomAD v4.1: 4 of 1,314,848 alleles (0.0003%); highest among the groups gnomAD compares: Non-Finnish European, 0.00039%; no homozygotes.

Submission:

PreventionGenetics, part of Exact Sciences
Classification: Likely benign for HTRA1-related condition. Last evaluated: 2022-06-16. Review status: no assertion criteria provided. Collection method: clinical testing. Allele origin: germline.
Comment: This variant is classified as likely benign based on ACMG/AMP sequence variant interpretation guidelines (Richards et al. 2015 PMID: 25741868, with internal and published modifications).